The following is an entry in ClinVar:

NM_015570.4(AUTS2):c.2975T>A (p.Leu992Gln)

Gene: AUTS2 (activator of transcription and developmental regulator AUTS2; plus strand). Cytogenetic location: 7q11.22.
Variant type: single nucleotide variant.
Coding change: c.2975T>A on transcript NM_015570.4 (MANE Select); coding-DNA position 2975, T replaced by A.
Protein change: p.Leu992Gln; replaces leucine 992 with glutamine.
Molecular consequence: missense variant.
Genome position (GRCh38, 1-based): chr7:70,790,191, T>A. VCF-style: chr7-70790191-T-A. GRCh37 (hg19) VCF-style: chr7-70255177-T-A.
Other names: c.2903T>A, p.Leu968Gln (NM_001127231.3); short protein forms L968Q, L992Q.
Identifiers: ClinVar variation 2506702 (VCV002506702.1), dbSNP rs2484984441, ClinGen allele CA367665221.
Genomic context (GRCh38, chr7:70,790,191, plus strand): 5'-AGAACCCCAAGAAGAGCTCCGAGGTCAAGGTGAAGGAGGAGCGGAAGGAAGACCATGACC[T>A]GCCTCCAGAGGCCCCGCAGACCCACCGGGCCTCGGAGCCGCCGCCTCCCAACTCCTCGTC-3'
Protein context (NP_056385.1, residues 982-1002): VKEERKEDHD[Leu992Gln]PPEAPQTHRA

ClinVar aggregate classification (germline): Uncertain significance (1 of 4 stars; one submission).

Submission:

GeneDx
Classification: Uncertain significance. Last evaluated: 2022-12-22. Review status: criteria provided, single submitter. Criteria: GeneDx Variant Classification Process June 2021. Collection method: clinical testing. Allele origin: germline. Affected: yes.
Comment: Not observed at significant frequency in large population cohorts (gnomAD); In silico analysis supports that this missense variant does not alter protein structure/function; Has not been previously published as pathogenic or benign to our knowledge